The following is an entry in ClinVar:

NM_203395.3(IYD):c.315_317del (p.Phe105_Ile106delinsLeu)

Gene: IYD (iodotyrosine deiodinase; plus strand). Cytogenetic location: 6q25.1.
Variant type: Deletion.
Coding change: c.315_317del on transcript NM_203395.3 (MANE Select); coding-DNA positions 315 to 317, 3 bases deleted (CAT; older notation c.315_317delCAT).
Protein change: p.Phe105_Ile106delinsLeu.
Molecular consequence: inframe indel. On other transcripts: non-coding transcript variant (1), intron variant (1).
Genome position (GRCh38, 1-based): chr6:150,389,488-150,389,490, CAT deleted; deleting any 3 consecutive bases within chr6:150,389,487-150,389,490 gives the same sequence; the c. name uses the placement nearest the transcript's 3' end. VCF-style (leftmost placement, unchanged base first): chr6-150389486-TTCA-T. GRCh37 (hg19) VCF-style: chr6-150710622-TTCA-T.
Other names: c.315_317delCAT (NM_203395.3, NM_001164694.1, NM_203395.2); c.315_317del, p.Phe105_Ile106delinsLeu (NM_001164694.2, NM_001164695.2); c.124+13_124+15del (NM_001318495.2).
Identifiers: ClinVar variation 738 (VCV000000738.11), dbSNP rs863223276, ClinGen allele CA278852.
Genomic context (GRCh38, chr6:150,389,486, plus strand): 5'-GAAATGGTTAAGAGGTCTCAGGAATTTTATGAACTTCTCAATAAGAGACGGTCAGTCAGG[TTCA>T]TAAGTAATGAGCAAGTCCCAATGGAAGTCATTGATAATGTCATCAGAACGGCAGGTTTGT-3'

ClinVar aggregate classification (germline): Conflicting classifications of pathogenicity. Review status: criteria provided, conflicting classifications (1 of 4 stars). 6 submissions from 6 submitters: Pathogenic (1); Likely pathogenic (3); Uncertain significance (1). 1 of the submissions does not count toward it. Last evaluated 2026-06-26.

Conditions:
IYD-related disorder. Also called: IYD-related condition.
Iodotyrosine deiodination defect (TDH4). Also called: DEIODINASE DEFICIENCY; Thyroid dyshormonogenesis 4; HYPOTHYROIDISM, CONGENITAL, DUE TO DYSHORMONOGENESIS, 4; IODOTYROSINE DEHALOGENASE DEFICIENCY; THYROID HORMONOGENESIS, GENETIC DEFECT IN, 4. Identifiers: Orphanet 95716, MedGen C0342195, MONDO:0010136, OMIM 274800.

Submissions (6):

Women's Health and Genetics/Laboratory Corporation of America, LabCorp
Classification: Pathogenic for Iodotyrosine deiodination defect. Last evaluated: 2026-06-26. Review status: criteria provided, single submitter. Criteria: LabCorp Variant Classification Summary - May 2015. Collection method: clinical testing. Allele origin: germline.
Comment: Variant summary: IYD c.315_317delCAT (p.Phe105_Ile106delinsLeu) results in an in-frame deletion-insertion that is predicted to delete 2 amino acids and insert a new amino acid from the protein, thus causing changes in 3 amino acids. The variant allele was found at a frequency of 0.0001 in 251400 control chromosomes. This frequency is not significantly higher than estimated for disease-causing variants in IYD, allowing no conclusion about variant significance. c.315_317delCAT has been observed in two homozygous individuals affected with Iodotyrosine deiodination defect (Moreno_2008). These data indicate that the variant is likely to be associated with disease. At least one publication reports experimental evidence evaluating an impact on protein function (Moreno_2008). The most pronounced variant effect results in abolished enzyme activity. The following publications have been ascertained in the context of this evaluation (PMID: 18434651, 30487145). ClinVar contains an entry for this variant (Variation ID: 738). Based on the evidence outlined above, the variant was classified as pathogenic.

Dasa
Classification: Likely pathogenic. Last evaluated: 2026-02-02. Review status: criteria provided, single submitter. Criteria: DASA Assertion Criteria. Collection method: clinical testing. Allele origin: germline.
Comment: NM_203395.3(IYD):c.315_317del (p.Phe105_Ile106delinsLeu) is an in-frame insertion/deletion-insertion predicted to alter the protein sequence without shifting the reading frame. Segregation data support an association with disease in the reported family/families. This variant has been reported in individuals with IYD-related disorders (PMID: 18434651). Functional evidence supports an impact on the gene or gene product. Also, this variant is rare in population databases. Based on the currently available evidence, this variant is classified as likely pathogenic.

Fulgent Genetics
Classification: Likely pathogenic for Iodotyrosine deiodination defect. Last evaluated: 2024-06-25. Review status: criteria provided, single submitter. Criteria: ACMG Guidelines, 2015. Collection method: clinical testing. Allele origin: germline.

PreventionGenetics, part of Exact Sciences
Classification: Likely pathogenic for IYD-related condition. Last evaluated: 2023-02-13. Review status: criteria provided, single submitter. Criteria: ACMG Guidelines, 2015. Collection method: clinical testing. Allele origin: germline.
Comment: The IYD c.315_317delCAT variant is predicted to result in an in-frame deletion (p.Phe105_Ile106delinsLeu). This variant was reported in two homozygous individuals with goitrous hypothyroidism (Moreno et al. 2008. PubMed ID: 18434651). This variant is reported in 0.022% of alleles in individuals of European (Non-Finnish) descent in gnomAD. This variant is interpreted as likely pathogenic.

Ambry Genetics
Classification: Uncertain significance. Last evaluated: 2021-05-13. Review status: criteria provided, single submitter. Criteria: Ambry Variant Classification Scheme 2023. Collection method: clinical testing. Allele origin: germline.
Comment: The c.315_317delCAT (p.F105_I106delinsL) alteration is located in exon 2 (coding exon 2) of the IYD gene. This alteration consists of an in-frame deletion of 3 nucleotides between nucleotide positions c.315 and c.317, resulting in the deletion of 1 residue. The p.F105_I106delinsL alteration is predicted to be deleterious with a score of -10.5 by PROVEAN in silico analysis. Based on insufficient or conflicting evidence, the clinical significance of this alteration remains unclear.

OMIM
Classification: Pathogenic for THYROID DYSHORMONOGENESIS 4. Last evaluated: 2008-04-24. Review status: no assertion criteria provided. Collection method: literature only. Allele origin: germline. Not counted in ClinVar's aggregate classification.

Literature cited by the submitters: PubMed 30487145 (cited by Women's Health and Genetics/Laboratory Corporation of America, LabCorp); PubMed 18434651 (cited by 3 submitters); PubMed 13183981 (cited by OMIM); PubMed 13333116 (cited by OMIM).